The following is an entry in ClinVar:

NM_001369623.2(PI4KB):c.871C>T (p.Arg291Ter)

Gene: PI4KB (phosphatidylinositol 4-kinase beta; minus strand). Cytogenetic location: 1q21.3.
Variant type: single nucleotide variant.
Coding change: c.871C>T on transcript NM_001369623.2 (MANE Select); coding-DNA position 871, C replaced by T.
Protein change: p.Arg291Ter; replaces arginine 291 with a stop codon.
Molecular consequence: nonsense. On other transcripts: intron variant (1).
Genome position (GRCh38, 1-based): chr1:151,315,611, G>A on the plus strand (C>T on the coding strand, the complement: PI4KB is on the minus strand). VCF-style: chr1-151315611-G-A. GRCh37 (hg19) VCF-style: chr1-151288087-G-A.
Other names: c.871C>T, p.Arg291Ter (NM_001198773.3, NM_001198774.2, NM_001330721.2 and 3 more transcripts); c.907C>T, p.Arg303Ter (NM_001369625.1, NM_001369628.1, NM_002651.4); c.-42-7810C>T (NM_001198775.3); short protein forms R291*, R303*.
Identifiers: ClinVar variation 4875113 (VCV004875113.2).

ClinVar aggregate classification (germline): Likely benign (1 of 4 stars; one submission).

Submission:

CeGaT Center for Human Genetics Tuebingen
Classification: Likely benign. Last evaluated: 2026-06-01. Review status: criteria provided, single submitter. Criteria: CeGaT Center For Human Genetics Tuebingen Variant Classification Criteria Version 2. Collection method: clinical testing. Allele origin: germline. Affected: yes. Observed: 1 variant allele.
Comment: PI4KB: BS2